The following is an entry in ClinVar:

NM_004958.4(MTOR):c.5075T>C (p.Val1692Ala)

Gene: MTOR (mechanistic target of rapamycin kinase; minus strand). Cytogenetic location: 1p36.22.
Variant type: single nucleotide variant.
Coding change: c.5075T>C on transcript NM_004958.4 (MANE Select); coding-DNA position 5075, T replaced by C.
Protein change: p.Val1692Ala; replaces valine 1692 with alanine.
Molecular consequence: missense variant.
Genome position (GRCh38, 1-based): chr1:11,139,359, A>G on the plus strand (T>C on the coding strand, the complement: MTOR is on the minus strand). VCF-style: chr1-11139359-A-G. GRCh37 (hg19) VCF-style: chr1-11199416-A-G.
Other names: c.5075T>C (NM_004958.3); short protein forms V1692A.
Identifiers: ClinVar variation 1009281 (VCV001009281.9), dbSNP rs758917930, ClinGen allele CA589458.

ClinVar aggregate classification (germline): Uncertain significance. Review status: criteria provided, multiple submitters, no conflicts (2 of 4 stars). 2 submissions from 2 submitters: Uncertain significance (2). Last evaluated 2025-03-13.

Conditions:
MTOR-related disorder. Also called: MTOR-related condition.

Allele frequency attached by ClinVar (database versions not stated): gnomAD exomes below 0.00001; ExAC 0.00001.
gnomAD v4.1: 1 of 1,613,462 alleles (0.000062%); highest among the groups gnomAD compares: South Asian, 0.0011%; no homozygotes.

Submissions (2):

PreventionGenetics, part of Exact Sciences
Classification: Uncertain significance for MTOR-related condition. Last evaluated: 2025-03-13. Review status: criteria provided, single submitter. Criteria: ACMG Guidelines, 2015. Collection method: clinical testing. Allele origin: germline.
Comment: The MTOR c.5075T>C variant is predicted to result in the amino acid substitution p.Val1692Ala. To our knowledge, this variant has not been reported in the literature. This variant is reported in 0.0033% of alleles in individuals of South Asian descent in gnomAD. At this time, the clinical significance of this variant is uncertain due to the absence of conclusive functional and genetic evidence.

Labcorp Genetics (formerly Invitae), Labcorp
Classification: Uncertain significance. Last evaluated: 2022-02-04. Review status: criteria provided, single submitter. Criteria: Invitae Variant Classification Sherloc (09022015). Collection method: clinical testing. Allele origin: germline.
Comment: This sequence change replaces valine, which is neutral and non-polar, with alanine, which is neutral and non-polar, at codon 1692 of the MTOR protein (p.Val1692Ala). This variant is present in population databases (rs758917930, gnomAD 0.003%). This variant has not been reported in the literature in individuals affected with MTOR-related conditions. ClinVar contains an entry for this variant (Variation ID: 1009281). Advanced modeling of protein sequence and biophysical properties (such as structural, functional, and spatial information, amino acid conservation, physicochemical variation, residue mobility, and thermodynamic stability) performed at Invitae indicates that this missense variant is not expected to disrupt MTOR protein function. In summary, the available evidence is currently insufficient to determine the role of this variant in disease. Therefore, it has been classified as a Variant of Uncertain Significance.